The following is an entry in ClinVar:

NM_000083.3(CLCN1):c.854-1G>A

Gene: CLCN1 (chloride voltage-gated channel 1; plus strand). Cytogenetic location: 7q34.
Variant type: single nucleotide variant.
Coding change: c.854-1G>A on transcript NM_000083.3 (MANE Select); the canonical splice acceptor site of the intron before coding-DNA position 854, G replaced by A.
Molecular consequence: splice acceptor variant.
Genome position (GRCh38, 1-based): chr7:143,330,771, G>A. VCF-style: chr7-143330771-G-A. GRCh37 (hg19) VCF-style: chr7-143027864-G-A.
Identifiers: ClinVar variation 3366557 (VCV003366557.1).

ClinVar aggregate classification (germline): Likely pathogenic (1 of 4 stars; one submission).

Conditions:
Congenital myotonia, autosomal recessive form. Also called: BECKER DISEASE; Becker Generalized Myotonia; myotonia congenita, autosomal recessive. Identifiers: Orphanet 614, MedGen C0751360, MONDO:0009715, OMIM 255700.

Submission:

Women's Health and Genetics/Laboratory Corporation of America, LabCorp
Classification: Likely pathogenic for Congenital myotonia, autosomal recessive form. Last evaluated: 2024-08-01. Review status: criteria provided, single submitter. Criteria: LabCorp Variant Classification Summary - May 2015. Collection method: clinical testing. Allele origin: germline.
Comment: Variant summary: CLCN1 c.854-1G>A is located in a canonical splice-site and is predicted to affect mRNA splicing resulting in a significantly altered protein due to either exon skipping, shortening, or inclusion of intronic material. Variants that disrupt the consensus splice site are a relatively common cause of aberrant splicing and loss of CLCN1 function. Several computational tools predict a significant impact on normal splicing: Four predict the variant abolishes a 3' acceptor site. However, these predictions have yet to be confirmed by functional studies. The variant was absent in 251352 control chromosomes. To our knowledge, no occurrence of c.854-1G>A in individuals affected with Myotonia congenita and no experimental evidence demonstrating its impact on protein function have been reported. No submitters have cited clinical-significance assessments for this variant to ClinVar. Based on the evidence outlined above, the variant was classified as likely pathogenic.